The following is an entry in ClinVar:

ClinVar aggregate classification (germline): Uncertain significance (1 of 4 stars; one submission).

Allele frequency attached by ClinVar (database versions not stated): TOPMed below 0.00001.

Submission:

Labcorp Genetics (formerly Invitae), Labcorp
Classification: Uncertain significance. Last evaluated: 2025-05-12. Review status: criteria provided, single submitter. Criteria: Invitae Variant Classification Sherloc (09022015). Collection method: clinical testing. Allele origin: germline.
Comment: This sequence change replaces isoleucine, which is neutral and non-polar, with lysine, which is basic and polar, at codon 4185 of the USH2A protein (p.Ile4185Lys). This variant is not present in population databases (gnomAD no frequency). This variant has not been reported in the literature in individuals affected with USH2A-related conditions. ClinVar contains an entry for this variant (Variation ID: 2845445). Invitae Evidence Modeling of protein sequence and biophysical properties (such as structural, functional, and spatial information, amino acid conservation, physicochemical variation, residue mobility, and thermodynamic stability) indicates that this missense variant is expected to disrupt USH2A protein function with a positive predictive value of 95%. In summary, the available evidence is currently insufficient to determine the role of this variant in disease. Therefore, it has been classified as a Variant of Uncertain Significance.

NM_206933.4(USH2A):c.12554T>A (p.Ile4185Lys)

Gene: USH2A (usherin; minus strand). Cytogenetic location: 1q41.
Variant type: single nucleotide variant.
Coding change: c.12554T>A on transcript NM_206933.4 (MANE Select); coding-DNA position 12554, T replaced by A.
Protein change: p.Ile4185Lys; replaces isoleucine 4185 with lysine.
Molecular consequence: missense variant.
Genome position (GRCh38, 1-based): chr1:215,675,357, A>T on the plus strand (T>A on the coding strand, the complement: USH2A is on the minus strand). VCF-style: chr1-215675357-A-T. GRCh37 (hg19) VCF-style: chr1-215848699-A-T.
Other names: short protein forms I4185K.
Identifiers: ClinVar variation 2845445 (VCV002845445.3), dbSNP rs1657986647, ClinGen allele CA344850651.